The following is an entry in ClinVar:

ClinVar aggregate classification (germline): Uncertain significance (1 of 4 stars; one submission).

Conditions:
Primary ciliary dyskinesia. Also called: Ciliary dyskinesia. Identifiers: Orphanet 244, MedGen C0008780, MONDO:0016575, HP:0012265.

Allele frequency attached by ClinVar (database versions not stated): gnomAD 0.00001; TOPMed 0.00002.

Submission:

Labcorp Genetics (formerly Invitae), Labcorp
Classification: Uncertain significance for Primary ciliary dyskinesia. Last evaluated: 2019-09-20. Review status: criteria provided, single submitter. Criteria: Invitae Variant Classification Sherloc (09022015). Collection method: clinical testing. Allele origin: germline.
Comment: In summary, the available evidence is currently insufficient to determine the role of this variant in disease. Therefore, it has been classified as a Variant of Uncertain Significance. Algorithms developed to predict the effect of missense changes on protein structure and function are either unavailable or do not agree on the potential impact of this missense change (SIFT: "Tolerated"; PolyPhen-2: "Possibly Damaging"; Align-GVGD: "Class C0"). This variant has not been reported in the literature in individuals with DRC1-related conditions. This variant is not present in population databases (ExAC no frequency). This sequence change replaces lysine with glutamic acid at codon 686 of the DRC1 protein (p.Lys686Glu). The lysine residue is moderately conserved and there is a small physicochemical difference between lysine and glutamic acid.

NM_145038.5(DRC1):c.2056A>G (p.Lys686Glu)

Gene: DRC1 (dynein regulatory complex subunit 1; plus strand). Cytogenetic location: 2p23.3.
Variant type: single nucleotide variant.
Coding change: c.2056A>G on transcript NM_145038.5 (MANE Select); coding-DNA position 2056, A replaced by G.
Protein change: p.Lys686Glu; replaces lysine 686 with glutamic acid.
Molecular consequence: missense variant.
Genome position (GRCh38, 1-based): chr2:26,454,783, A>G. VCF-style: chr2-26454783-A-G. GRCh37 (hg19) VCF-style: chr2-26677651-A-G.
Other names: short protein forms K686E.
Identifiers: ClinVar variation 939017 (VCV000939017.9), dbSNP rs587776997, ClinGen allele CA346122847.